The following is an entry in ClinVar:

NM_000518.5(HBB):c.*51G>A

Genes: HBB (hemoglobin subunit beta; minus strand), LOC107133510 (origin of replication at HBB; plus strand), LOC110006319 (beta-globin gene 3' regulatory region; plus strand). Cytogenetic location: 11p15.4.
Variant type: single nucleotide variant.
Coding change: c.*51G>A on transcript NM_000518.5 (MANE Select); 51 bases downstream of the stop codon, G replaced by A.
Molecular consequence: 3 prime UTR variant.
Genome position (GRCh38, 1-based): chr11:5,225,547, C>T on the plus strand (G>A on the coding strand, the complement: HBB is on the minus strand). VCF-style: chr11-5225547-C-T. GRCh37 (hg19) VCF-style: chr11-5246777-C-T.
Identifiers: ClinVar variation 1804687 (VCV001804687.1), dbSNP rs1201877853, ClinGen allele CA597217423.

ClinVar aggregate classification (germline): Uncertain significance (1 of 4 stars; one submission).

Allele frequency attached by ClinVar (database versions not stated): gnomAD exomes below 0.00001.
gnomAD v4.1: 1 of 1,598,254 alleles (0.000063%); highest among the groups gnomAD compares: South Asian, 0.0011%; no homozygotes.

Submission:

Women's Health and Genetics/Laboratory Corporation of America, LabCorp
Classification: Uncertain significance. Last evaluated: 2022-11-22. Review status: criteria provided, single submitter. Criteria: LabCorp Variant Classification Summary - May 2015. Collection method: clinical testing. Allele origin: germline.
Comment: Variant summary: HBB c.*51G>A is located in the untranslated mRNA region downstream of the termination codon. The variant allele was found at a frequency of 4e-06 in 251040 control chromosomes (gnomAD). The available data on variant occurrences in the general population are insufficient to allow any conclusion about variant significance. To our knowledge, no occurrence of c.*51G>A in individuals affected with Hemoglobinopathy or other HBB-related disorders and no experimental evidence demonstrating its impact on protein function have been reported. No clinical diagnostic laboratories have submitted clinical-significance assessments for this variant to ClinVar after 2014. Based on the evidence outlined above, the variant was classified as uncertain significance.